The following is an entry in ClinVar:

ClinVar aggregate classification (germline): Pathogenic (1 of 4 stars; one submission).

Conditions:
Developmental and epileptic encephalopathy, 12 (DEE12). Identifiers: MedGen C3150988, MONDO:0013389, OMIM 613722.

Submission:

Labcorp Genetics (formerly Invitae), Labcorp
Classification: Pathogenic for Early infantile epileptic encephalopathy 12. Last evaluated: 2019-12-17. Review status: criteria provided, single submitter. Criteria: Invitae Variant Classification Sherloc (09022015). Collection method: clinical testing. Allele origin: germline.
Comment: This variant is a gross deletion of the genomic region encompassing exons 1-3 of the PLCB1 gene, which includes the initiator codon. The 5' end of this event is unknown as it extends beyond the assayed region for this gene and therefore may encompass additional genes. The 3' boundary is likely confined to intron 3 of the PLCB1 gene. This is expected to result in an absent or disrupted protein product. Similar deletions have been observed in individuals affected with early-onset epilepsy (PMID: 20833646, 22690784, 25950944, 24684524). Loss-of-function variants in PLCB1 are known to be pathogenic (PMID: 24684524). For these reasons, this variant has been classified as Pathogenic.

Literature cited by the submitters: PubMed 24684524; PubMed 25950944; PubMed 22690784; PubMed 20833646.

NC_000020.10:g.(?_8113279)_(8352117_?)del

Gene: PLCB1 (phospholipase C beta 1; plus strand). Cytogenetic location: 20p12.3.
Variant type: Deletion.
Identifiers: ClinVar variation 831489 (VCV000831489.1).